The following is an entry in ClinVar:

NM_002907.4(RECQL):c.1346A>C (p.Asn449Thr)

Gene: RECQL (RecQ like helicase; minus strand). Cytogenetic location: 12p12.1.
Variant type: single nucleotide variant.
Coding change: c.1346A>C on transcript NM_002907.4 (MANE Select); coding-DNA position 1346, A replaced by C.
Protein change: p.Asn449Thr; replaces asparagine 449 with threonine.
Molecular consequence: missense variant.
Genome position (GRCh38, 1-based): chr12:21,474,850, T>G on the plus strand (A>C on the coding strand, the complement: RECQL is on the minus strand). VCF-style: chr12-21474850-T-G. GRCh37 (hg19) VCF-style: chr12-21627784-T-G.
Other names: c.1346A>C, p.Asn449Thr (NM_032941.3); short protein forms N449T.
Identifiers: ClinVar variation 4826739 (VCV004826739.1).

ClinVar aggregate classification (germline): Uncertain significance (1 of 4 stars; one submission).

Submission:

Ambry Genetics
Classification: Uncertain significance. Last evaluated: 2026-02-27. Review status: criteria provided, single submitter. Criteria: Ambry Variant Classification Scheme 2023. Collection method: clinical testing. Allele origin: germline.
Comment: The p.N449T variant (also known as c.1346A>C), located in coding exon 10 of the RECQL gene, results from an A to C substitution at nucleotide position 1346. The asparagine at codon 449 is replaced by threonine, an amino acid with similar properties. This amino acid position is conserved. In addition, this alteration is predicted to be tolerated by in silico analysis. Based on the available evidence, the clinical significance of this variant remains unclear.